The following is an entry in ClinVar:

ClinVar aggregate classification (germline): Pathogenic (1 of 4 stars; one submission).

Conditions:
Propionic acidemia (PROP). Also called: GLYCINEMIA, KETOTIC; HYPERGLYCINEMIA WITH KETOACIDOSIS AND LEUKOPENIA; KETOTIC HYPERGLYCINEMIA. Identifiers: Orphanet 35, MedGen C0268579, MONDO:0011628, OMIM 606054, HP:0003571.

Submission:

Labcorp Genetics (formerly Invitae), Labcorp
Classification: Pathogenic for Propionic acidemia. Last evaluated: 2023-06-14. Review status: criteria provided, single submitter. Criteria: Invitae Variant Classification Sherloc (09022015). Collection method: clinical testing. Allele origin: germline.
Comment: This variant has not been reported in the literature in individuals affected with PCCA-related conditions. For these reasons, this variant has been classified as Pathogenic. This sequence change creates a premature translational stop signal (p.Phe263Leufs*8) in the PCCA gene. It is expected to result in an absent or disrupted protein product. Loss-of-function variants in PCCA are known to be pathogenic (PMID: 15464417). This variant is not present in population databases (gnomAD no frequency).

Literature cited by the submitters: PubMed 15464417.

NM_000282.4(PCCA):c.789del (p.Phe263fs)

Gene: PCCA (propionyl-CoA carboxylase subunit alpha; plus strand). Cytogenetic location: 13q32.3.
Variant type: Deletion.
Coding change: c.789del on transcript NM_000282.4 (MANE Select); coding-DNA position 789, one base deleted (T; older notation c.789delT).
Protein change: p.Phe263fs; shifts the reading frame from phenylalanine 263.
Molecular consequence: frameshift variant. On other transcripts: 5 prime UTR variant (3), non-coding transcript variant (5).
Genome position (GRCh38, 1-based): chr13:100,262,801, T deleted; the last of 3 consecutive T bases (chr13:100,262,799-100,262,801); deleting any one gives the same sequence. VCF-style (leftmost placement, unchanged base first): chr13-100262798-AT-A. GRCh37 (hg19) VCF-style: chr13-100915052-AT-A.
Other names: c.711del, p.Phe237fs (NM_001127692.3, NM_001352607.2, NM_001352608.2); c.789del, p.Phe263fs (NM_001178004.2, NM_001352605.2, NM_001352606.2 and 1 more transcripts); c.-157del (NM_001352610.2, NM_001352611.2, NM_001352612.2); short protein forms F263fs, F237fs.
Identifiers: ClinVar variation 2715389 (VCV002715389.3), dbSNP rs2547923770, ClinGen allele CA2575446584.